The following is an entry in ClinVar:

ClinVar aggregate classification (germline): Uncertain significance (1 of 4 stars; one submission).

Allele frequency attached by ClinVar (database versions not stated): gnomAD exomes below 0.00001; TOPMed below 0.00001.
gnomAD v4.1: 1 of 1,614,132 alleles (0.000062%); highest among the groups gnomAD compares: Non-Finnish European, 0.000085%; no homozygotes.

Submission:

Labcorp Genetics (formerly Invitae), Labcorp
Classification: Uncertain significance. Last evaluated: 2023-12-10. Review status: criteria provided, single submitter. Criteria: Invitae Variant Classification Sherloc (09022015). Collection method: clinical testing. Allele origin: germline.
Comment: This sequence change replaces valine, which is neutral and non-polar, with methionine, which is neutral and non-polar, at codon 278 of the MYO3A protein (p.Val278Met). This variant is not present in population databases (gnomAD no frequency). This variant has not been reported in the literature in individuals affected with MYO3A-related conditions. An algorithm developed to predict the effect of missense changes on protein structure and function (PolyPhen-2) suggests that this variant is likely to be tolerated. In summary, the available evidence is currently insufficient to determine the role of this variant in disease. Therefore, it has been classified as a Variant of Uncertain Significance.

NM_017433.5(MYO3A):c.832G>A (p.Val278Met)

Gene: MYO3A (myosin IIIA; plus strand). Cytogenetic location: 10p12.1.
Variant type: single nucleotide variant.
Coding change: c.832G>A on transcript NM_017433.5 (MANE Select); coding-DNA position 832, G replaced by A.
Protein change: p.Val278Met; replaces valine 278 with methionine.
Molecular consequence: missense variant.
Genome position (GRCh38, 1-based): chr10:26,026,411, G>A. VCF-style: chr10-26026411-G-A. GRCh37 (hg19) VCF-style: chr10-26315340-G-A.
Other names: short protein forms V278M.
Identifiers: ClinVar variation 2998846 (VCV002998846.3), dbSNP rs903557437, ClinGen allele CA204358669.